The following is an entry in ClinVar:

NM_000089.4(COL1A2):c.1772G>C (p.Arg591Pro)

Gene: COL1A2 (collagen type I alpha 2 chain; plus strand). Cytogenetic location: 7q21.3.
Variant type: single nucleotide variant.
Coding change: c.1772G>C on transcript NM_000089.4 (MANE Select); coding-DNA position 1772, G replaced by C.
Protein change: p.Arg591Pro; replaces arginine 591 with proline.
Molecular consequence: missense variant.
Genome position (GRCh38, 1-based): chr7:94,416,412, G>C. VCF-style: chr7-94416412-G-C. GRCh37 (hg19) VCF-style: chr7-94045724-G-C.
Other names: short protein forms R591P.
Identifiers: ClinVar variation 2099023 (VCV002099023.4), dbSNP rs535050755, ClinGen allele CA368222575.

ClinVar aggregate classification (germline): Uncertain significance (1 of 4 stars; one submission).

Conditions:
Ehlers-Danlos syndrome, classic type, 1 (EDSCL1). Also called: EHLERS-DANLOS SYNDROME, GRAVIS TYPE; EHLERS-DANLOS SYNDROME, SEVERE CLASSIC TYPE; Ehlers-Danlos syndrome, type 1; EDS I; Ehlers-Danlos Syndrome, Classic Type, COL5A1-Related. Identifiers: MedGen C0268335, MONDO:0019567, OMIM 130000.
Osteogenesis imperfecta type I (OI1). Also called: OI, TYPE I; OSTEOGENESIS IMPERFECTA TARDA; OSTEOGENESIS IMPERFECTA WITH BLUE SCLERAE; Osteogenesis imperfecta type 1; Lobstein's Disease; Lobstein disease. Identifiers: Orphanet 216796, Orphanet 666, MedGen C0023931, MONDO:0008146, OMIM 166200. Disease mechanism: loss of function.

Submission:

Labcorp Genetics (formerly Invitae), Labcorp
Classification: Uncertain significance for Osteogenesis imperfecta type I; Ehlers-Danlos syndrome, classic type, 1. Last evaluated: 2023-07-07. Review status: criteria provided, single submitter. Criteria: Invitae Variant Classification Sherloc (09022015). Collection method: clinical testing. Allele origin: germline.
Comment: This sequence change replaces arginine, which is basic and polar, with proline, which is neutral and non-polar, at codon 591 of the COL1A2 protein (p.Arg591Pro). This variant is not present in population databases (gnomAD no frequency). This variant has not been reported in the literature in individuals affected with COL1A2-related conditions. ClinVar contains an entry for this variant (Variation ID: 2099023). Advanced modeling of protein sequence and biophysical properties (such as structural, functional, and spatial information, amino acid conservation, physicochemical variation, residue mobility, and thermodynamic stability) performed at Invitae indicates that this missense variant is not expected to disrupt COL1A2 protein function. In summary, the available evidence is currently insufficient to determine the role of this variant in disease. Therefore, it has been classified as a Variant of Uncertain Significance.